The following is an entry in ClinVar:

NM_181789.4(GLDN):c.1017G>A (p.Glu339=)

Gene: GLDN (gliomedin; plus strand). Cytogenetic location: 15q21.2.
Variant type: single nucleotide variant.
Coding change: c.1017G>A on transcript NM_181789.4 (MANE Select); coding-DNA position 1017, G replaced by A.
Protein change: p.Glu339=; no amino-acid change (glutamic acid 339 retained).
Molecular consequence: synonymous variant.
Genome position (GRCh38, 1-based): chr15:51,400,488, G>A. VCF-style: chr15-51400488-G-A. GRCh37 (hg19) VCF-style: chr15-51692685-G-A.
Other names: c.645G>A, p.Glu215= (NM_001330297.2).
Identifiers: ClinVar variation 4535299 (VCV004535299.6).

ClinVar aggregate classification (germline): Likely benign (1 of 4 stars; one submission).

Submission:

CeGaT Center for Human Genetics Tuebingen
Classification: Likely benign. Last evaluated: 2025-11-01. Review status: criteria provided, single submitter. Criteria: CeGaT Center For Human Genetics Tuebingen Variant Classification Criteria Version 2. Collection method: clinical testing. Allele origin: germline. Affected: yes. Observed: 1 variant allele.
Comment: GLDN: PM2:Supporting, BP4, BP7